The following is an entry in ClinVar:

NM_006432.5(NPC2):c.12_18del (p.Ala5fs)

Gene: NPC2 (NPC intracellular cholesterol transporter 2; minus strand). Cytogenetic location: 14q24.3.
Variant type: Deletion.
Coding change: c.12_18del on transcript NM_006432.5 (MANE Select); coding-DNA positions 12 to 18, 7 bases deleted (GGCAGCT; older notation c.12_18delGGCAGCT).
Protein change: p.Ala5fs; shifts the reading frame from alanine 5.
Molecular consequence: frameshift variant.
Genome position (GRCh38, 1-based): chr14:74,493,257-74,493,263, AGCTGCC deleted on the plus strand (GGCAGCT on the coding strand, the reverse complement: NPC2 is on the minus strand); deleting any 7 consecutive bases within chr14:74,493,257-74,493,265 gives the same sequence; the c. name uses the placement nearest the transcript's 3' end. VCF-style (leftmost placement, unchanged base first): chr14-74493256-TAGCTGCC-T. GRCh37 (hg19) VCF-style: chr14-74959959-TAGCTGCC-T.
Other names: c.12_18del, p.Ala5fs (NM_001363688.1, NM_001375440.1); short protein forms A5fs.
Identifiers: ClinVar variation 2982084 (VCV002982084.4), dbSNP rs1320549584, ClinGen allele CA708507668.

ClinVar aggregate classification (germline): Pathogenic. Review status: criteria provided, multiple submitters, no conflicts (2 of 4 stars). 2 submissions from 2 submitters: Pathogenic (2). Last evaluated 2023-09-21.

Conditions:
Niemann-Pick disease, type C2 (NPC2). Identifiers: Orphanet 646, MedGen C1843366, MONDO:0011873, OMIM 607625.

Submissions (2):

Myriad Genetics, Inc.
Classification: Pathogenic for Niemann-Pick disease, type C2. Last evaluated: 2023-09-21. Review status: criteria provided, single submitter. Criteria: Myriad Autosomal Dominant, Autosomal Recessive and X-Linked Classification Criteria (2023). Collection method: clinical testing. Allele origin: unknown.
Comment: NM_006432.3(NPC2):c.12_18del7(A5Hfs*28) is expected to be pathogenic in the context of Niemann-Pick disease type C2. This variant is predicted to lead to an abnormal or absent protein product due to the creation of a premature termination codon in NPC2, a gene where loss-of-function variants are known to be pathogenic. Please note: this variant was assessed in the context of healthy population screening.

Labcorp Genetics (formerly Invitae), Labcorp
Classification: Pathogenic for Niemann-Pick disease, type C2. Last evaluated: 2023-04-18. Review status: criteria provided, single submitter. Criteria: Invitae Variant Classification Sherloc (09022015). Collection method: clinical testing. Allele origin: germline.
Comment: For these reasons, this variant has been classified as Pathogenic. This variant has not been reported in the literature in individuals affected with NPC2-related conditions. This variant is not present in population databases (gnomAD no frequency). This sequence change creates a premature translational stop signal (p.Ala5Hisfs*28) in the NPC2 gene. It is expected to result in an absent or disrupted protein product. Loss-of-function variants in NPC2 are known to be pathogenic (PMID: 25145893).

Literature cited by the submitters: PubMed 25145893 (cited by Labcorp Genetics (formerly Invitae), Labcorp).